The following is an entry in ClinVar:

NM_014141.6(CNTNAP2):c.1336G>A (p.Asp446Asn)

Gene: CNTNAP2 (contactin associated protein 2; plus strand). Cytogenetic location: 7q35.
Variant type: single nucleotide variant.
Coding change: c.1336G>A on transcript NM_014141.6 (MANE Select); coding-DNA position 1336, G replaced by A.
Protein change: p.Asp446Asn; replaces aspartic acid 446 with asparagine.
Molecular consequence: missense variant.
Genome position (GRCh38, 1-based): chr7:147,132,497, G>A. VCF-style: chr7-147132497-G-A. GRCh37 (hg19) VCF-style: chr7-146829589-G-A.
Other names: short protein forms D446N.
Identifiers: ClinVar variation 642026 (VCV000642026.8), dbSNP rs956320440, ClinGen allele CA168690913.

ClinVar aggregate classification (germline): Uncertain significance (1 of 4 stars; one submission).

Conditions:
Cortical dysplasia-focal epilepsy syndrome (PTHSL1). Also called: Pitt-Hopkins-like syndrome 1. Identifiers: Orphanet 163681, Orphanet 221150, MedGen C2750246, MONDO:0012400, OMIM 610042.

Allele frequency attached by ClinVar (database versions not stated): gnomAD exomes below 0.00001; gnomAD 0.00001; TOPMed 0.00002.
gnomAD v4.1: 8 of 1,613,490 alleles (0.0005%); highest among the groups gnomAD compares: Middle Eastern, 0.017%; no homozygotes.

Submission:

Labcorp Genetics (formerly Invitae), Labcorp
Classification: Uncertain significance for Cortical dysplasia-focal epilepsy syndrome. Last evaluated: 2024-04-01. Review status: criteria provided, single submitter. Criteria: Invitae Variant Classification Sherloc (09022015). Collection method: clinical testing. Allele origin: germline.
Comment: This sequence change replaces aspartic acid, which is acidic and polar, with asparagine, which is neutral and polar, at codon 446 of the CNTNAP2 protein (p.Asp446Asn). This variant is not present in population databases (gnomAD no frequency). This variant has not been reported in the literature in individuals affected with CNTNAP2-related conditions. ClinVar contains an entry for this variant (Variation ID: 642026). An algorithm developed to predict the effect of missense changes on protein structure and function (PolyPhen-2) suggests that this variant is likely to be disruptive. In summary, the available evidence is currently insufficient to determine the role of this variant in disease. Therefore, it has been classified as a Variant of Uncertain Significance.